The following is an entry in ClinVar:

NM_001379286.1(ZNF423):c.1274G>A (p.Arg425Gln)

Gene: ZNF423 (zinc finger protein 423; minus strand). Cytogenetic location: 16q12.1.
Variant type: single nucleotide variant.
Coding change: c.1274G>A on transcript NM_001379286.1 (MANE Select); coding-DNA position 1274, G replaced by A.
Protein change: p.Arg425Gln; replaces arginine 425 with glutamine.
Molecular consequence: missense variant.
Genome position (GRCh38, 1-based): chr16:49,637,902, C>T on the plus strand (G>A on the coding strand, the complement: ZNF423 is on the minus strand). VCF-style: chr16-49637902-C-T. GRCh37 (hg19) VCF-style: chr16-49671813-C-T.
Other names: c.1070G>A, p.Arg357Gln (NM_001271620.2); c.899G>A, p.Arg300Gln (NM_001330533.2); c.1250G>A, p.Arg417Gln (NM_015069.5); short protein forms R357Q, R417Q, R300Q, R425Q.
Identifiers: ClinVar variation 644962 (VCV000644962.26), dbSNP rs150550744, ClinGen allele CA8046714.

ClinVar aggregate classification (germline): Uncertain significance. Review status: criteria provided, multiple submitters, no conflicts (2 of 4 stars). 3 submissions from 3 submitters: Uncertain significance (3). Last evaluated 2023-05-01.

Conditions:
Nephronophthisis 14 (NPHP14). Identifiers: Orphanet 2318, MedGen C3539071, MONDO:0013916, OMIM 614844.

Allele frequency attached by ClinVar (database versions not stated): gnomAD 0.00001; gnomAD exomes 0.00001 and 0.00002; TOPMed 0.00001; ExAC 0.00002; 1000 Genomes Project 30x 0.00031; 1000 Genomes Project 0.00040.
gnomAD v4.1: 15 of 1,614,156 alleles (0.00093%); highest among the groups gnomAD compares: Middle Eastern, 0.049%; no homozygotes.

Submissions (3):

CeGaT Center for Human Genetics Tuebingen
Classification: Uncertain significance. Last evaluated: 2023-05-01. Review status: criteria provided, single submitter. Criteria: CeGaT Center For Human Genetics Tuebingen Variant Classification Criteria Version 2. Collection method: clinical testing. Allele origin: germline. Affected: yes. Observed: 1 variant allele.

Blueprint Genetics
Classification: Uncertain significance. Last evaluated: 2022-04-20. Review status: criteria provided, single submitter. Criteria: ACMG Guidelines, 2015. Collection method: clinical testing. Allele origin: germline.

Labcorp Genetics (formerly Invitae), Labcorp
Classification: Uncertain significance for Nephronophthisis 14. Last evaluated: 2018-12-05. Review status: criteria provided, single submitter. Criteria: Invitae Variant Classification Sherloc (09022015). Collection method: clinical testing. Allele origin: germline.
Comment: This sequence change replaces arginine with glutamine at codon 417 of the ZNF423 protein (p.Arg417Gln). The arginine residue is highly conserved and there is a small physicochemical difference between arginine and glutamine. This variant is present in population databases (rs150550744, ExAC 0.005%). This variant has not been reported in the literature in individuals with ZNF423-related conditions. Algorithms developed to predict the effect of missense changes on protein structure and function (SIFT, PolyPhen-2, Align-GVGD) all suggest that this variant is likely to be tolerated, but these predictions have not been confirmed by published functional studies and their clinical significance is uncertain. Algorithms developed to predict the effect of sequence changes on RNA splicing suggest that this variant may create or strengthen a splice site, but this prediction has not been confirmed by published transcriptional studies. In summary, the available evidence is currently insufficient to determine the role of this variant in disease. Therefore, it has been classified as a Variant of Uncertain Significance.